The following is an entry in ClinVar:

NM_032447.5(FBN3):c.5896C>G (p.His1966Asp)

Gene: FBN3 (fibrillin 3; minus strand). Cytogenetic location: 19p13.2.
Variant type: single nucleotide variant.
Coding change: c.5896C>G on transcript NM_032447.5 (MANE Select); coding-DNA position 5896, C replaced by G.
Protein change: p.His1966Asp; replaces histidine 1966 with aspartic acid.
Molecular consequence: missense variant.
Genome position (GRCh38, 1-based): chr19:8,094,455, G>C on the plus strand (C>G on the coding strand, the complement: FBN3 is on the minus strand). VCF-style: chr19-8094455-G-C. GRCh37 (hg19) VCF-style: chr19-8159339-G-C.
Other names: c.5896C>G, p.His1966Asp (NM_001321431.2); c.5896C>G (NM_001321431.1); short protein forms H1966D.
Identifiers: ClinVar variation 1621015 (VCV001621015.11), dbSNP rs34167077, ClinGen allele CA9151506.

ClinVar aggregate classification (germline): Benign. Review status: criteria provided, multiple submitters, no conflicts (2 of 4 stars). 3 submissions from 3 submitters: Benign (2). 1 of the submissions does not count toward it. Last evaluated 2026-02-03.

Conditions:
FBN3-related disorder. Also called: FBN3-related condition.

Allele frequency attached by ClinVar (database versions not stated): TOPMed 0.07077; gnomAD 0.07776 and 0.07727; gnomAD exomes 0.09228; 1000 Genomes Project 30x 0.05450; ESP Exome Variant Server 0.07743; 1000 Genomes Project 0.05411; ExAC 0.09590.
gnomAD v4.1: 161,242 of 1,612,676 alleles (10%); highest among the groups gnomAD compares: South Asian, 12%; 8,875 homozygotes.

Submissions (3):

Labcorp Genetics (formerly Invitae), Labcorp
Classification: Benign. Last evaluated: 2026-02-03. Review status: criteria provided, single submitter. Criteria: Invitae Variant Classification Sherloc (09022015). Collection method: clinical testing. Allele origin: germline.

Breakthrough Genomics
Classification: Benign. Review status: criteria provided, single submitter. Criteria: ACMG Guidelines, 2015. Collection method: not provided. Allele origin: germline. Inheritance: Unknown mechanism. Affected: yes.

PreventionGenetics, part of Exact Sciences
Classification: Benign for FBN3-related condition. Last evaluated: 2019-10-28. Review status: no assertion criteria provided. Collection method: clinical testing. Allele origin: germline. Not counted in ClinVar's aggregate classification.
Comment: This variant is classified as benign based on ACMG/AMP sequence variant interpretation guidelines (Richards et al. 2015 PMID: 25741868, with internal and published modifications).